The following is an entry in ClinVar:

ClinVar aggregate classification (germline): Benign/Likely benign. Review status: criteria provided, multiple submitters, no conflicts (2 of 4 stars). 3 submissions from 3 submitters: Benign (1); Likely benign (2). Last evaluated 2026-01-11.

Allele frequency attached by ClinVar (database versions not stated): gnomAD exomes 0.00005 and 0.00009; ExAC 0.00014; 1000 Genomes Project 30x 0.00016; 1000 Genomes Project 0.00020; gnomAD 0.00047 and 0.00051; TOPMed 0.00053; ESP Exome Variant Server 0.00062.
gnomAD v4.1: 146 of 1,523,352 alleles (0.0096%); highest among the groups gnomAD compares: African/African-American, 0.16%; 1 homozygote.

Submissions (3):

Labcorp Genetics (formerly Invitae), Labcorp
Classification: Likely benign. Last evaluated: 2026-01-11. Review status: criteria provided, single submitter. Criteria: Invitae Variant Classification Sherloc (09022015). Collection method: clinical testing. Allele origin: germline.

Blueprint Genetics
Classification: Likely benign. Last evaluated: 2023-12-18. Review status: criteria provided, single submitter. Criteria: ACMG Guidelines, 2015. Collection method: clinical testing. Allele origin: germline.

Women's Health and Genetics/Laboratory Corporation of America, LabCorp
Classification: Benign. Last evaluated: 2023-11-14. Review status: criteria provided, single submitter. Criteria: LabCorp Variant Classification Summary - May 2015. Collection method: clinical testing. Allele origin: germline.
Comment: Variant summary: HPS5 c.220-9G>C alters a non-conserved nucleotide located at a position not widely known to affect splicing. Consensus agreement among computation tools predict no significant impact on normal splicing. However, these predictions have yet to be confirmed by functional studies. The variant allele was found at a frequency of 9.3e-05 in 235980 control chromosomes, predominantly at a frequency of 0.001 within the African or African-American subpopulation in the gnomAD database. The observed variant frequency within African or African-American control individuals in the gnomAD database is approximately 2 fold of the estimated maximal expected allele frequency for a pathogenic variant in HPS5 causing Hermansky-Pudlak Syndrome phenotype (0.00047), strongly suggesting that the variant is a benign polymorphism found primarily in populations of African or African-American origin. To our knowledge, no occurrence of c.220-9G>C in individuals affected with Hermansky-Pudlak Syndrome and no experimental evidence demonstrating its impact on protein function have been reported. One submitter has cited clinical-significance assessments for this variant to ClinVar after 2014 and has classified the variant as likely benign. Based on the evidence outlined above, the variant was classified as benign.

NM_181507.2(HPS5):c.220-9G>C

Gene: HPS5 (HPS5 biogenesis of lysosomal organelles complex 2 subunit 2; minus strand). Cytogenetic location: 11p15.1.
Variant type: single nucleotide variant.
Coding change: c.220-9G>C on transcript NM_181507.2 (MANE Select); 9 bases into the intron before coding-DNA position 220, G replaced by C.
Molecular consequence: intron variant.
Genome position (GRCh38, 1-based): chr11:18,311,460, C>G on the plus strand (G>C on the coding strand, the complement: HPS5 is on the minus strand). VCF-style: chr11-18311460-C-G. GRCh37 (hg19) VCF-style: chr11-18333007-C-G.
Other names: c.-123-9G>C (NM_001440929.1, NM_181508.2, NM_001440921.1 and 10 more transcripts); c.109-9G>C (NM_001440915.1, NM_001440914.1, NM_001440913.1); c.220-9G>C (NM_001440931.1, NM_001440917.1, NM_001440906.1 and 6 more transcripts); c.145-9G>C (NM_001440907.1, NM_001440909.1, NM_001440908.1); c.34-9G>C (NM_001440918.1).
Identifiers: ClinVar variation 748301 (VCV000748301.13), dbSNP rs200661298, ClinGen allele CA5910501.